The following is an entry in ClinVar:

ClinVar aggregate classification (germline): Uncertain significance. Review status: criteria provided, multiple submitters, no conflicts (2 of 4 stars). 2 submissions from 2 submitters: Uncertain significance (2). Last evaluated 2026-08-27.

Conditions:
Multiple endocrine neoplasia type 4. Also called: MULTIPLE ENDOCRINE NEOPLASIA, TYPE IV. Identifiers: Orphanet 276152, MedGen C1970712, MONDO:0012552, OMIM 610755.
Hereditary cancer-predisposing syndrome. Also called: Tumor predisposition; Hereditary neoplastic syndrome; Hereditary Cancer Syndrome; Neoplastic Syndromes, Hereditary. Identifiers: Orphanet 140162, MedGen C0027672, MeSH D009386, MONDO:0015356.

Submissions (2):

Ambry Genetics
Classification: Uncertain significance for Hereditary cancer-predisposing syndrome. Last evaluated: 2026-08-27. Review status: criteria provided, single submitter. Criteria: Ambry Variant Classification Scheme 2023. Collection method: clinical testing. Allele origin: germline.
Comment: The p.Q186H variant (also known as c.558G>C), located in coding exon 2 of the CDKN1B gene, results from a G to C substitution at nucleotide position 558. The glutamine at codon 186 is replaced by histidine, an amino acid with highly similar properties. This amino acid position is well conserved in available vertebrate species; however, histidine is the reference amino acid in other vertebrate species. In addition, this alteration is predicted to be tolerated by in silico analysis. Based on the available evidence, the clinical significance of this variant remains unclear.

Labcorp Genetics (formerly Invitae), Labcorp
Classification: Uncertain significance for Multiple endocrine neoplasia type 4. Last evaluated: 2025-04-20. Review status: criteria provided, single submitter. Criteria: Invitae Variant Classification Sherloc (09022015). Collection method: clinical testing. Allele origin: germline.
Comment: This sequence change replaces glutamine, which is neutral and polar, with histidine, which is basic and polar, at codon 186 of the CDKN1B protein (p.Gln186His). This variant is not present in population databases (gnomAD no frequency). This variant has not been reported in the literature in individuals affected with CDKN1B-related conditions. ClinVar contains an entry for this variant (Variation ID: 3693495). An algorithm developed to predict the effect of missense changes on protein structure and function (PolyPhen-2) suggests that this variant is likely to be disruptive. In summary, the available evidence is currently insufficient to determine the role of this variant in disease. Therefore, it has been classified as a Variant of Uncertain Significance.

NM_004064.5(CDKN1B):c.558G>C (p.Gln186His)

Gene: CDKN1B (cyclin dependent kinase inhibitor 1B; plus strand). Cytogenetic location: 12p13.1.
Variant type: single nucleotide variant.
Coding change: c.558G>C on transcript NM_004064.5 (MANE Select); coding-DNA position 558, G replaced by C.
Protein change: p.Gln186His; replaces glutamine 186 with histidine.
Molecular consequence: missense variant.
Genome position (GRCh38, 1-based): chr12:12,718,907, G>C. VCF-style: chr12-12718907-G-C. GRCh37 (hg19) VCF-style: chr12-12871841-G-C.
Other names: c.558G>C (NM_004064.3); short protein forms Q186H.
Identifiers: ClinVar variation 3693495 (VCV003693495.3).
Genomic context (GRCh38, chr12:12,718,907, plus strand): 5'-AGCCAACAGAACAGAAGAAAATGTTTCAGACGGTTCCCCAAATGCCGGTTCTGTGGAGCA[G>C]ACGCCCAAGAAGCCTGGCCTCAGAAGACGTCAAACGTAAACAGCTCGGTGGGTTGATCAC-3'
Protein context (NP_004055.1, residues 176-196): DGSPNAGSVE[Gln186His]TPKKPGLRRR